The following is an entry in ClinVar:

ClinVar aggregate classification (germline): Likely benign. Review status: criteria provided, multiple submitters, no conflicts (2 of 4 stars). 2 submissions from 2 submitters: Likely benign (2). Last evaluated 2026-01-02.

Conditions:
Epidermolysis bullosa simplex 5C, with pyloric atresia (EBS5C). Also called: PLEC-Related Epidermolysis Bullosa with Pyloric Atresia; Epidermolysis bullosa simplex with pyloric atresia; PLEC1-Related Epidermolysis Bullosa with Pyloric Atresia. Identifiers: Orphanet 158684, MedGen C2677349, MONDO:0012807, OMIM 612138.
Autosomal recessive limb-girdle muscular dystrophy type 2Q (LGMDR17). Also called: MUSCULAR DYSTROPHY, LIMB-GIRDLE, AUTOSOMAL RECESSIVE 17. Identifiers: Orphanet 254361, MedGen C3150989, MONDO:0013390, OMIM 613723.
Epidermolysis bullosa simplex 5B, with muscular dystrophy (EBS5B). Also called: Epidermolysis bullosa simplex with muscular dystrophy; EPIDERMOLYSIS BULLOSA SIMPLEX AND LIMB-GIRDLE MUSCULAR DYSTROPHY. Identifiers: Orphanet 257, MedGen C2931072, MONDO:0009181, OMIM 226670.
Epidermolysis bullosa simplex, Ogna type (EBS5A). Also called: Pidermolysis bullosa simplex 5A, Ogna type; EPIDERMOLYSIS BULLOSA SIMPLEX 5A, OGNA TYPE. Identifiers: Orphanet 79401, MedGen C0432317, MONDO:0007555, OMIM 131950.
Epidermolysis bullosa simplex with nail dystrophy (EBS5D). Identifiers: MedGen C4225309, MONDO:0014661, OMIM 616487.

Allele frequency attached by ClinVar (database versions not stated): ExAC 0.00002; TOPMed 0.00002; gnomAD 0.00003; gnomAD exomes 0.00003 and 0.00005.
gnomAD v4.1: 81 of 1,606,888 alleles (0.005%); highest among the groups gnomAD compares: Non-Finnish European, 0.0065%; no homozygotes.

Submissions (2):

Labcorp Genetics (formerly Invitae), Labcorp
Classification: Likely benign for Autosomal recessive limb-girdle muscular dystrophy type 2Q; Epidermolysis bullosa simplex, Ogna type; Epidermolysis bullosa simplex with nail dystrophy; Epidermolysis bullosa simplex 5C, with pyloric atresia; Epidermolysis bullosa simplex 5B, with muscular dystrophy. Last evaluated: 2026-01-02. Review status: criteria provided, single submitter. Criteria: Invitae Variant Classification Sherloc (09022015). Collection method: clinical testing. Allele origin: germline.

GeneDx
Classification: Likely benign. Last evaluated: 2018-01-29. Review status: criteria provided, single submitter. Criteria: GeneDx Variant Classification (06012015). Collection method: clinical testing. Allele origin: germline. Affected: yes.
Comment: This variant is considered likely benign or benign based on one or more of the following criteria: it is a conservative change, it occurs at a poorly conserved position in the protein, it is predicted to be benign by multiple in silico algorithms, and/or has population frequency not consistent with disease.

NM_201384.3(PLEC):c.2082+15G>T

Gene: PLEC (plectin; minus strand). Cytogenetic location: 8q24.3.
Variant type: single nucleotide variant.
Coding change: c.2082+15G>T on transcript NM_201384.3 (MANE Select); 15 bases into the intron after coding-DNA position 2082, G replaced by T.
Molecular consequence: intron variant.
Genome position (GRCh38, 1-based): chr8:143,932,115, C>A on the plus strand (G>T on the coding strand, the complement: PLEC is on the minus strand). VCF-style: chr8-143932115-C-A. GRCh37 (hg19) VCF-style: chr8-145006283-C-A.
Other names: c.2163+15G>T (NM_000445.5); c.2040+15G>T (NM_201378.4); c.2016+15G>T (NM_201379.3); c.2493+15G>T (NM_201380.4); c.1986+15G>T (NM_201381.3); c.2082+15G>T (NM_201382.4); c.2094+15G>T (NM_201383.3).
Identifiers: ClinVar variation 514958 (VCV000514958.2), dbSNP rs782684733, ClinGen allele CA4927703.
Genomic context (GRCh38, chr8:143,932,115, plus strand): 5'-CAGGCCCCGCCCCGCCCCGCCTGGGGACCCGGCACGGCCCCCCCCGCAGCCCCGCCCCTA[C>A]CCAGGGAGCCCCACCTCCACCGTGGGCCGGGCCGGGTGGTCCTCCCGCAGCAGCCGGTCC-3'